The following is an entry in ClinVar:

NM_006662.3(SRCAP):c.7459C>A (p.Pro2487Thr)

Gene: SRCAP (Snf2 related CREBBP activator protein; plus strand). Cytogenetic location: 16p11.2.
Variant type: single nucleotide variant.
Coding change: c.7459C>A on transcript NM_006662.3 (MANE Select); coding-DNA position 7459, C replaced by A.
Protein change: p.Pro2487Thr; replaces proline 2487 with threonine.
Molecular consequence: missense variant.
Genome position (GRCh38, 1-based): chr16:30,737,499, C>A. VCF-style: chr16-30737499-C-A. GRCh37 (hg19) VCF-style: chr16-30748820-C-A.
Other names: short protein forms P2487T.
Identifiers: ClinVar variation 1982033 (VCV001982033.4), dbSNP rs745812470, ClinGen allele CA8012485.

ClinVar aggregate classification (germline): Uncertain significance (1 of 4 stars; one submission).

Allele frequency attached by ClinVar (database versions not stated): TOPMed 0.00002.
gnomAD v4.1: 18 of 1,598,584 alleles (0.0011%); highest among the groups gnomAD compares: Non-Finnish European, 0.0015%; no homozygotes.

Submission:

Labcorp Genetics (formerly Invitae), Labcorp
Classification: Uncertain significance. Last evaluated: 2024-11-11. Review status: criteria provided, single submitter. Criteria: Invitae Variant Classification Sherloc (09022015). Collection method: clinical testing. Allele origin: germline.
Comment: This sequence change replaces proline, which is neutral and non-polar, with threonine, which is neutral and polar, at codon 2487 of the SRCAP protein (p.Pro2487Thr). This variant is present in population databases (rs745812470, gnomAD 0.002%). This variant has not been reported in the literature in individuals affected with SRCAP-related conditions. ClinVar contains an entry for this variant (Variation ID: 1982033). Invitae Evidence Modeling of protein sequence and biophysical properties (such as structural, functional, and spatial information, amino acid conservation, physicochemical variation, residue mobility, and thermodynamic stability) indicates that this missense variant is not expected to disrupt SRCAP protein function with a negative predictive value of 80%. In summary, the available evidence is currently insufficient to determine the role of this variant in disease. Therefore, it has been classified as a Variant of Uncertain Significance.